The following is an entry in ClinVar:

ClinVar aggregate classification (germline): Likely benign. Review status: criteria provided, multiple submitters, no conflicts (2 of 4 stars). 2 submissions from 2 submitters: Likely benign (2). Last evaluated 2025-02-05.

Conditions:
Neuropathy, hereditary sensory and autonomic, type 2A (HSAN2A). Also called: ACROOSTEOLYSIS, GIACCAI TYPE; ACROOSTEOLYSIS, NEUROGENIC; MORVAN DISEASE; NEUROPATHY, CONGENITAL SENSORY; NEUROPATHY, HEREDITARY SENSORY RADICULAR, AUTOSOMAL RECESSIVE; NEUROPATHY, HEREDITARY SENSORY, TYPE IIA. Identifiers: Orphanet 970, MedGen C2752089, MONDO:0024309, OMIM 201300.
Pseudohypoaldosteronism type 2C (PHA2C). Also called: Pseudohypoaldosteronism Type IIC. Identifiers: Orphanet 757, Orphanet 88940, MedGen C1840391, MONDO:0013778, OMIM 614492.

Allele frequency attached by ClinVar (database versions not stated): gnomAD 0.00001; TOPMed 0.00001.
gnomAD v4.1: 16 of 1,612,670 alleles (0.00099%); highest among the groups gnomAD compares: East Asian, 0.036%; no homozygotes.

Submissions (2):

Mayo Clinic Laboratories, Mayo Clinic
Classification: Likely benign. Last evaluated: 2025-02-05. Review status: criteria provided, single submitter. Criteria: ACMG Guidelines, 2015. Collection method: clinical testing. Allele origin: germline. Observed: 1 variant allele.
Comment: BP4, BP7

Labcorp Genetics (formerly Invitae), Labcorp
Classification: Likely benign for Neuropathy, hereditary sensory and autonomic, type 2A; Pseudohypoaldosteronism type 2C. Last evaluated: 2024-05-21. Review status: criteria provided, single submitter. Criteria: Invitae Variant Classification Sherloc (09022015). Collection method: clinical testing. Allele origin: germline.

NM_018979.4(WNK1):c.222C>G (p.Thr74=)

Gene: WNK1 (WNK lysine deficient protein kinase 1; plus strand). Cytogenetic location: 12p13.33.
Variant type: single nucleotide variant.
Coding change: c.222C>G on transcript NM_018979.4 (MANE Select); coding-DNA position 222, C replaced by G.
Protein change: p.Thr74=; no amino-acid change (threonine 74 retained).
Molecular consequence: synonymous variant.
Genome position (GRCh38, 1-based): chr12:753,787, C>G. VCF-style: chr12-753787-C-G. GRCh37 (hg19) VCF-style: chr12-862953-C-G.
Other names: p.Thr74=; c.222C>G, p.Thr74= (NM_001184985.2, NM_014823.3, NM_213655.5); c.222C>G (NM_213655.4).
Identifiers: ClinVar variation 2154977 (VCV002154977.5), dbSNP rs747214764, ClinGen allele CA6381743.